The following is an entry in ClinVar:

ClinVar aggregate classification (germline): Likely benign (1 of 4 stars; one submission).

Submission:

CeGaT Center for Human Genetics Tuebingen
Classification: Likely benign. Last evaluated: 2025-03-01. Review status: criteria provided, single submitter. Criteria: CeGaT Center For Human Genetics Tuebingen Variant Classification Criteria Version 2. Collection method: clinical testing. Allele origin: germline. Affected: yes. Observed: 1 variant allele.
Comment: KMT2B: BP4, BP7

NM_014727.3(KMT2B):c.1296A>C (p.Pro432=)

Gene: KMT2B (lysine methyltransferase 2B; plus strand). Cytogenetic location: 19q13.12.
Variant type: single nucleotide variant.
Coding change: c.1296A>C on transcript NM_014727.3 (MANE Select); coding-DNA position 1296, A replaced by C.
Protein change: p.Pro432=; no amino-acid change (proline 432 retained).
Molecular consequence: synonymous variant.
Genome position (GRCh38, 1-based): chr19:35,720,643, A>C. VCF-style: chr19-35720643-A-C. GRCh37 (hg19) VCF-style: chr19-36211545-A-C.
Identifiers: ClinVar variation 3778044 (VCV003778044.7).